The following is an entry in ClinVar:

ClinVar aggregate classification (germline): Uncertain significance. Review status: criteria provided, multiple submitters, no conflicts (2 of 4 stars). 4 submissions from 4 submitters: Uncertain significance (4). Last evaluated 2026-08-01.

Conditions:
HSD3B7-related disorder. Also called: HSD3B7-related condition.
Inborn genetic diseases. Identifiers: MedGen C0950123, MeSH D030342.

Allele frequency attached by ClinVar (database versions not stated): ExAC 0.00006; gnomAD exomes 0.00009; TOPMed 0.00009; gnomAD 0.00013 and 0.00014.
gnomAD v4.1: 290 of 1,606,332 alleles (0.018%); highest among the groups gnomAD compares: Non-Finnish European, 0.023%; no homozygotes.

Submissions (4):

PreventionGenetics, part of Exact Sciences
Classification: Uncertain significance for HSD3B7-related condition. Last evaluated: 2026-08-01. Review status: criteria provided, single submitter. Criteria: ACMG Guidelines, 2015. Collection method: clinical testing. Allele origin: germline.
Comment: The HSD3B7 c.1061G>A variant is predicted to result in the amino acid substitution p.Arg354Gln. To our knowledge, this variant has not been reported in the literature. This variant is reported in 0.020% of alleles in individuals of African descent in gnomAD. At this time, the clinical significance of this variant is uncertain due to the absence of conclusive functional and genetic evidence.

Labcorp Genetics (formerly Invitae), Labcorp
Classification: Uncertain significance. Last evaluated: 2025-12-23. Review status: criteria provided, single submitter. Criteria: Invitae Variant Classification Sherloc (09022015). Collection method: clinical testing. Allele origin: germline.
Comment: This sequence change replaces arginine, which is basic and polar, with glutamine, which is neutral and polar, at codon 354 of the HSD3B7 protein (p.Arg354Gln). This variant is present in population databases (rs757174407, gnomAD 0.02%). This variant has not been reported in the literature in individuals affected with HSD3B7-related conditions. ClinVar contains an entry for this variant (Variation ID: 499346). Invitae Evidence Modeling of protein sequence and biophysical properties (such as structural, functional, and spatial information, amino acid conservation, physicochemical variation, residue mobility, and thermodynamic stability) indicates that this missense variant is not expected to disrupt HSD3B7 protein function with a negative predictive value of 80%. In summary, the available evidence is currently insufficient to determine the role of this variant in disease. Therefore, it has been classified as a Variant of Uncertain Significance.

Ambry Genetics
Classification: Uncertain significance for Inborn genetic diseases. Last evaluated: 2025-02-19. Review status: criteria provided, single submitter. Criteria: Ambry Variant Classification Scheme 2023. Collection method: clinical testing. Allele origin: germline.

Eurofins Ntd Llc (ga)
Classification: Uncertain significance. Last evaluated: 2016-12-20. Review status: criteria provided, single submitter. Criteria: EGL Classification Definitions 2015. Collection method: clinical testing. Allele origin: germline. Observed: 3 variant alleles, 3 heterozygotes.

NM_025193.4(HSD3B7):c.1061G>A (p.Arg354Gln)

Gene: HSD3B7 (hydroxy-delta-5-steroid dehydrogenase, 3 beta- and steroid delta-isomerase 7; plus strand). Cytogenetic location: 16p11.2.
Variant type: single nucleotide variant.
Coding change: c.1061G>A on transcript NM_025193.4 (MANE Select); coding-DNA position 1061, G replaced by A.
Protein change: p.Arg354Gln; replaces arginine 354 with glutamine.
Molecular consequence: missense variant. On other transcripts: 3 prime UTR variant (2).
Genome position (GRCh38, 1-based): chr16:30,988,134, G>A. VCF-style: chr16-30988134-G-A. GRCh37 (hg19) VCF-style: chr16-30999455-G-A.
Other names: c.*307G>A (NM_001142777.2, NM_001142778.2); c.1061G>A (NM_025193.3); short protein forms R354Q.
Identifiers: ClinVar variation 499346 (VCV000499346.10), dbSNP rs757174407, ClinGen allele CA8018173.